The following is an entry in ClinVar:

NC_000005.10:g.112707349A>G

Gene: APC (APC regulator of Wnt signaling pathway; plus strand). Cytogenetic location: 5q22.2.
Variant type: single nucleotide variant.
Genome position: GRCh38 VCF-style: chr5-112707349-A-G. GRCh37 (hg19) VCF-style: chr5-112043046-A-G.
Identifiers: ClinVar variation 1043899 (VCV001043899.10), dbSNP rs1750550706, ClinGen allele CA650199302.
Genomic context (GRCh38, chr5:112,707,349, plus strand): 5'-TGCAGAAGGATCTATTAACTGGGCTGCAGCACAATTCAGAGAAGGCCAGTAAGTGCTGCA[A>G]CTGAGACTCGGCTGCCTAGGCAGCAATGGCTCACGGGACAGAACAGCGAAGCAGTGCCCG-3'

ClinVar aggregate classification (germline): Uncertain significance (1 of 4 stars; one submission).

Conditions:
Familial adenomatous polyposis 1 (FAP1). Also called: FAMILIAL ADENOMATOUS POLYPOSIS 1, ATTENUATED; POLYPOSIS, ADENOMATOUS INTESTINAL. Identifiers: MedGen C2713442, MONDO:0021056, OMIM 175100. Disease mechanism: loss of function.

Allele frequency attached by ClinVar (database versions not stated): TOPMed below 0.00001.

Submission:

Labcorp Genetics (formerly Invitae), Labcorp
Classification: Uncertain significance for Familial adenomatous polyposis 1. Last evaluated: 2024-07-04. Review status: criteria provided, single submitter. Criteria: Invitae Variant Classification Sherloc (09022015). Collection method: clinical testing. Allele origin: germline.
Comment: This variant occurs in a non-coding region of the APC gene. It does not change the encoded amino acid sequence of the APC protein. This variant is not present in population databases (gnomAD no frequency). This variant has not been reported in the literature in individuals affected with APC-related conditions. Experimental studies and prediction algorithms are not available or were not evaluated, and the functional significance of this variant is currently unknown. In summary, the available evidence is currently insufficient to determine the role of this variant in disease. Therefore, it has been classified as a Variant of Uncertain Significance.